The following is an entry in ClinVar:

NC_000019.9:g.(?_10870394)_(10870507_?)dup

Gene: DNM2 (dynamin 2; plus strand). Cytogenetic location: 19p13.2.
Variant type: Duplication.
Identifiers: ClinVar variation 3248444 (VCV003248444.1).

ClinVar aggregate classification (germline): Uncertain significance (1 of 4 stars; one submission).

Conditions:
Charcot-Marie-Tooth disease dominant intermediate B (CMTDIB). Also called: Charcot-Marie-Tooth disease dominant intermediate 1; CMT DI1; Charcot-Marie-Tooth disease dominant intermediate I; CHARCOT-MARIE-TOOTH NEUROPATHY, DOMINANT INTERMEDIATE B. Identifiers: Orphanet 100044, Orphanet 228179, MedGen C1847902, MONDO:0011674, OMIM 606482.

Submission:

Labcorp Genetics (formerly Invitae), Labcorp
Classification: Uncertain significance for Charcot-Marie-Tooth disease dominant intermediate B. Last evaluated: 2023-12-11. Review status: criteria provided, single submitter. Criteria: Invitae Variant Classification Sherloc (09022015). Collection method: clinical testing. Allele origin: unknown.
Comment: This variant results in a copy number gain of the genomic region encompassing exon(s) 2 of the DNM2 gene. While the exact position of this variant cannot be determined from the data, sub-genic copy number gains are generally in tandem (PMID: 25640679). This variant is predicted to be out-of-frame, and may result in an absent or disrupted protein product. However, the current clinical and genetic evidence is not sufficient to establish whether loss-of-function variants in DNM2 cause disease. This variant has not been reported in the literature in individuals affected with DNM2-related conditions. In summary, the available evidence is currently insufficient to determine the role of this variant in disease. Therefore, it has been classified as a Variant of Uncertain Significance.

Literature cited by the submitters: PubMed 25640679.